The following is an entry in ClinVar:

NM_003239.5(TGFB3):c.639G>C (p.Leu213Phe)

Gene: TGFB3 (transforming growth factor beta 3; minus strand). Cytogenetic location: 14q24.3.
Variant type: single nucleotide variant.
Coding change: c.639G>C on transcript NM_003239.5 (MANE Select); coding-DNA position 639, G replaced by C.
Protein change: p.Leu213Phe; replaces leucine 213 with phenylalanine.
Molecular consequence: missense variant.
Genome position (GRCh38, 1-based): chr14:75,971,133, C>G on the plus strand (G>C on the coding strand, the complement: TGFB3 is on the minus strand). VCF-style: chr14-75971133-C-G. GRCh37 (hg19) VCF-style: chr14-76437476-C-G.
Other names: c.639G>C, p.Leu213Phe (NM_001329938.2, NM_001329939.2); short protein forms L213F.
Identifiers: ClinVar variation 5030820 (VCV005030820.1).

ClinVar aggregate classification (germline): Uncertain significance (1 of 4 stars; one submission).

Conditions:
Familial thoracic aortic aneurysm and aortic dissection (TAAD). Also called: Thoracic aortic aneurysms and dissections. Identifiers: Orphanet 91387, MedGen C4707243, MONDO:0019625.

Submission:

Ambry Genetics
Classification: Uncertain significance for Familial thoracic aortic aneurysm and aortic dissection. Last evaluated: 2026-07-26. Review status: criteria provided, single submitter. Criteria: Ambry Variant Classification Scheme 2023. Collection method: clinical testing. Allele origin: germline.
Comment: The p.L213F variant (also known as c.639G>C), located in coding exon 3 of the TGFB3 gene, results from a G to C substitution at nucleotide position 639. The leucine at codon 213 is replaced by phenylalanine, an amino acid with highly similar properties. This amino acid position is conserved. In addition, this alteration is predicted to be tolerated by in silico analysis. Based on the available evidence, the clinical significance of this variant remains unclear.